The following is an entry in ClinVar:

NM_145046.5(CALR3):c.1067G>T (p.Arg356Leu)

Gene: CALR3 (calreticulin 3; minus strand). Cytogenetic location: 19p13.11.
Variant type: single nucleotide variant.
Coding change: c.1067G>T on transcript NM_145046.5 (MANE Select); coding-DNA position 1067, G replaced by T.
Protein change: p.Arg356Leu; replaces arginine 356 with leucine.
Molecular consequence: missense variant.
Genome position (GRCh38, 1-based): chr19:16,479,219, C>A on the plus strand (G>T on the coding strand, the complement: CALR3 is on the minus strand). VCF-style: chr19-16479219-C-A. GRCh37 (hg19) VCF-style: chr19-16590030-C-A.
Other names: short protein forms R356L.
Identifiers: ClinVar variation 416237 (VCV000416237.21), dbSNP rs140290452, ClinGen allele CA9278180.
Genomic context (GRCh38, chr19:16,479,219, plus strand): 5'-TTGAAGTAATGTTCGTGCCTGTTAATTTTTCCCGACAGCAGCTCTTCCTCCTCTTCCTCG[C>A]GGGCCTTCTTCATTTCCTCCTTGGCCTGTATGGCATCCATCTCCCTTTCTGGACCCTGGA-3'
Protein context (NP_659483.2, residues 346-366): IQAKEEMKKA[Arg356Leu]EEEEEELLSG

ClinVar aggregate classification (germline): Benign. Review status: criteria provided, multiple submitters, no conflicts (2 of 4 stars). 8 submissions from 8 submitters: Benign (6). 2 of the submissions do not count toward it. Last evaluated 2026-01-27.

Conditions:
Primary dilated cardiomyopathy (DCM). Also called: Dilated Cardiomyopathy. Identifiers: Orphanet 217604, MedGen C0007193, MeSH D002311, MONDO:0005021, HP:0001644. Inheritance: Various modes of inheritance.
Cardiovascular phenotype. Identifiers: MedGen CN230736.
Hypertrophic cardiomyopathy 19. Also called: Familial hypertrophic cardiomyopathy 19. Identifiers: MedGen CN077603, MONDO:0013476.

Allele frequency attached by ClinVar (database versions not stated): 1000 Genomes Project 0.00699; 1000 Genomes Project 30x 0.00734; TOPMed 0.00784; ESP Exome Variant Server 0.00815.
gnomAD v4.1: 2,122 of 1,614,080 alleles (0.13%); highest among the groups gnomAD compares: African/African-American, 2.4%; 28 homozygotes.

Submissions (8):

Labcorp Genetics (formerly Invitae), Labcorp
Classification: Benign for Hypertrophic cardiomyopathy 19. Last evaluated: 2026-01-27. Review status: criteria provided, single submitter. Criteria: Invitae Variant Classification Sherloc (09022015). Collection method: clinical testing. Allele origin: germline.

Center for Advanced Laboratory Medicine, UC San Diego Health, University of California San Diego
Classification: Benign for Dilated cardiomyopathy. Last evaluated: 2018-02-07. Review status: criteria provided, single submitter. Criteria: ACMG Guidelines, 2015. Collection method: clinical testing. Allele origin: germline. Affected: yes. Observed: 1 variant allele.

Women's Health and Genetics/Laboratory Corporation of America, LabCorp
Classification: Benign. Last evaluated: 2017-08-16. Review status: criteria provided, single submitter. Criteria: LabCorp Variant Classification Summary - May 2015. Collection method: clinical testing. Allele origin: germline.
Comment: Variant summary: The CALR3 c.1067G>T (p.Arg356Leu) variant involves the alteration of a non-conserved nucleotide. 2/4 in silico tools predict a benign outcome for this variant (SNPsandGO not captured due to low reliability index). This variant was found in 268/121408 control chromosomes (6 homozygotes) from ExAC, predominantly observed in the African subpopulation at a frequency of 0.024025 (250/10406). This frequency is about 961 times the estimated maximal expected allele frequency of a pathogenic CALR3 variant (0.000025), suggesting this is likely a benign polymorphism found primarily in the populations of African origin. In addition, one clinical diagnostic laboratory in ClinVar has classified this variant as benign. To our knowledge, this variant has not been reported in affected individuals via publications, nor has it been evaluated for functional impact by in vivo/vitro studies. Taken together, this variant is classified as benign.

Genome Diagnostics Laboratory, University Medical Center Utrecht
Classification: Benign for Hypertrophic cardiomyopathy 1. Last evaluated: 2016-04-11. Review status: criteria provided, single submitter. Criteria: ACGS Guidelines, 2013. Collection method: clinical testing. Allele origin: germline. Affected: yes. Study: VKGL Data-share Consensus.

Ambry Genetics
Classification: Benign for Cardiovascular phenotype. Last evaluated: 2013-01-10. Review status: criteria provided, single submitter. Criteria: Ambry Autosomal Dominant and X-Linked criteria (10/2015). Collection method: clinical testing. Allele origin: germline. Observed: 1 variant allele.
Comment: General population or subpopulation frequency is too high to be a pathogenic mutation based on disease/syndrome prevalence and penetrance

Breakthrough Genomics
Classification: Benign. Review status: criteria provided, single submitter. Criteria: ACMG Guidelines, 2015. Collection method: not provided. Allele origin: germline. Inheritance: Unknown mechanism. Affected: yes.

Clinical Genetics, Academic Medical Center
Classification: Benign. Review status: no assertion criteria provided. Collection method: clinical testing. Allele origin: germline. Affected: yes. Study: VKGL Data-share Consensus. Not counted in ClinVar's aggregate classification.

Joint Genome Diagnostic Labs from Nijmegen and Maastricht, Radboudumc and MUMC+
Classification: Benign. Review status: no assertion criteria provided. Collection method: clinical testing. Allele origin: germline. Affected: yes. Study: VKGL Data-share Consensus. Not counted in ClinVar's aggregate classification.